The following is an entry in ClinVar:

ClinVar aggregate classification (germline): Benign. Review status: criteria provided, multiple submitters, no conflicts (2 of 4 stars). 2 submissions from 2 submitters: Benign (2). Last evaluated 2018-06-14.

Allele frequency attached by ClinVar (database versions not stated): gnomAD 0.65849 and 0.66123; TOPMed 0.67133; 1000 Genomes Project 30x 0.74297; 1000 Genomes Project 0.74740.
gnomAD v4.1: 494,253 of 783,794 alleles (63%); highest among the groups gnomAD compares: East Asian, 97%; 159,661 homozygotes.

Submissions (2):

GeneDx
Classification: Benign. Last evaluated: 2018-06-14. Review status: criteria provided, single submitter. Criteria: GeneDx Variant Classification (06012015). Collection method: clinical testing. Allele origin: germline. Affected: yes.
Comment: This variant is considered likely benign or benign based on one or more of the following criteria: it is a conservative change, it occurs at a poorly conserved position in the protein, it is predicted to be benign by multiple in silico algorithms, and/or has population frequency not consistent with disease.

Breakthrough Genomics
Classification: Benign. Review status: criteria provided, single submitter. Criteria: ACMG Guidelines, 2015. Collection method: not provided. Allele origin: germline. Inheritance: Autosomal dominant inheritance. Affected: yes.

NM_001114753.3(ENG):c.1311+178T>C

Genes: ENG (endoglin; minus strand), LOC102723566 (uncharacterized LOC102723566; plus strand). Cytogenetic location: 9q34.11.
Variant type: single nucleotide variant.
Coding change: c.1311+178T>C on transcript NM_001114753.3 (MANE Select); 178 bases into the intron after coding-DNA position 1311, T replaced by C.
Molecular consequence: intron variant.
Genome position (GRCh38, 1-based): chr9:127,819,444, A>G on the plus strand (T>C on the coding strand, the complement: ENG is on the minus strand). VCF-style: chr9-127819444-A-G. GRCh37 (hg19) VCF-style: chr9-130581723-A-G.
Other names: c.1311+178T>C (NM_000118.4); c.765+178T>C (NM_001278138.2).
Identifiers: ClinVar variation 672482 (VCV000672482.4), dbSNP rs10819309, ClinGen allele CA13000821.